The following is an entry in ClinVar:

ClinVar aggregate classification (germline): Uncertain significance (1 of 4 stars; one submission).

Submission:

Labcorp Genetics (formerly Invitae), Labcorp
Classification: Uncertain significance. Last evaluated: 2025-12-28. Review status: criteria provided, single submitter. Criteria: Invitae Variant Classification Sherloc (09022015). Collection method: clinical testing. Allele origin: germline.
Comment: This sequence change replaces valine, which is neutral and non-polar, with methionine, which is neutral and non-polar, at codon 186 of the ATP1A1 protein (p.Val186Met). This variant is not present in population databases (gnomAD no frequency). This variant has not been reported in the literature in individuals affected with ATP1A1-related conditions. Invitae Evidence Modeling of protein sequence and biophysical properties (such as structural, functional, and spatial information, amino acid conservation, physicochemical variation, residue mobility, and thermodynamic stability) indicates that this missense variant is expected to disrupt ATP1A1 protein function with a positive predictive value of 80%. In summary, the available evidence is currently insufficient to determine the role of this variant in disease. Therefore, it has been classified as a Variant of Uncertain Significance.

NM_000701.8(ATP1A1):c.556G>A (p.Val186Met)

Gene: ATP1A1 (ATPase Na+/K+ transporting subunit alpha 1; plus strand). Cytogenetic location: 1p13.1.
Variant type: single nucleotide variant.
Coding change: c.556G>A on transcript NM_000701.8 (MANE Select); coding-DNA position 556, G replaced by A.
Protein change: p.Val186Met; replaces valine 186 with methionine.
Molecular consequence: missense variant.
Genome position (GRCh38, 1-based): chr1:116,388,692, G>A. VCF-style: chr1-116388692-G-A. GRCh37 (hg19) VCF-style: chr1-116931314-G-A.
Other names: c.556G>A, p.Val186Met (NM_001160233.2); c.463G>A, p.Val155Met (NM_001160234.2); short protein forms V186M, V155M.
Identifiers: ClinVar variation 4746705 (VCV004746705.1).